The following is an entry in ClinVar:

NM_001128840.3(CACNA1D):c.623+61G>T

Gene: CACNA1D (calcium voltage-gated channel subunit alpha1 D; plus strand). Cytogenetic location: 3p21.1.
Variant type: single nucleotide variant.
Coding change: c.623+61G>T on transcript NM_001128840.3 (MANE Select); 61 bases into the intron after coding-DNA position 623, G replaced by T.
Molecular consequence: intron variant.
Genome position (GRCh38, 1-based): chr3:53,650,979, G>T. VCF-style: chr3-53650979-G-T. GRCh37 (hg19) VCF-style: chr3-53685006-G-T.
Other names: c.623+61G>T (NM_001128839.3, NM_000720.4).
Identifiers: ClinVar variation 684089 (VCV000684089.2), dbSNP rs187796549, ClinGen allele CA75070682.

ClinVar aggregate classification (germline): Likely benign. Review status: criteria provided, multiple submitters, no conflicts (2 of 4 stars). 2 submissions from 2 submitters: Likely benign (2). Last evaluated 2018-06-16.

Allele frequency attached by ClinVar (database versions not stated): 1000 Genomes Project 0.00679; 1000 Genomes Project 30x 0.00828; TOPMed 0.01243.
gnomAD v4.1: 16,072 of 1,427,530 alleles (1.1%); highest among the groups gnomAD compares: South Asian, 1.6%; 170 homozygotes.

Submissions (2):

GeneDx
Classification: Likely benign. Last evaluated: 2018-06-16. Review status: criteria provided, single submitter. Criteria: GeneDx Variant Classification (06012015). Collection method: clinical testing. Allele origin: germline. Affected: yes.
Comment: This variant is considered likely benign or benign based on one or more of the following criteria: it is a conservative change, it occurs at a poorly conserved position in the protein, it is predicted to be benign by multiple in silico algorithms, and/or has population frequency not consistent with disease.

Breakthrough Genomics
Classification: Likely benign. Review status: criteria provided, single submitter. Criteria: ACMG Guidelines, 2015. Collection method: not provided. Allele origin: germline. Inheritance: Autosomal recessive inheritance. Affected: yes.